The following is an entry in ClinVar:

NM_001972.4(ELANE):c.772C>T (p.Arg258Trp)

Gene: ELANE (elastase, neutrophil expressed; plus strand). Cytogenetic location: 19p13.3.
Variant type: single nucleotide variant.
Coding change: c.772C>T on transcript NM_001972.4 (MANE Select); coding-DNA position 772, C replaced by T.
Protein change: p.Arg258Trp; replaces arginine 258 with tryptophan.
Molecular consequence: missense variant.
Genome position (GRCh38, 1-based): chr19:856,132, C>T. VCF-style: chr19-856132-C-T. GRCh37 (hg19) VCF-style: chr19-856132-C-T.
Other names: short protein forms R258W.
Identifiers: ClinVar variation 1354571 (VCV001354571.6), dbSNP rs747957936, ClinGen allele CA9026159.
Genomic context (GRCh38, chr19:856,132, plus strand): 5'-TTTGTAAACTGGATCGACTCTATCATCCAACGCTCCGAGGACAACCCCTGTCCCCACCCC[C>T]GGGACCCGGACCCGGCCAGCAGGACCCACTGAGAAGGGCTGCCCGGGTCACCTCAGCTGC-3'
Protein context (NP_001963.1, residues 248-267): RSEDNPCPHP[Arg258Trp]DPDPASRTH

ClinVar aggregate classification (germline): Uncertain significance (1 of 4 stars; one submission).

Conditions:
Neutropenia, severe congenital, 1, autosomal dominant. Identifiers: MedGen C1859966, MONDO:0042490, OMIM 202700.
Cyclical neutropenia. Also called: Cyclic hematopoiesis; Cyclic Neutropenia. Identifiers: Orphanet 2686, MedGen C0221023, MONDO:0008090, OMIM 162800, HP:0040289. Disease mechanism: loss of function.

Allele frequency attached by ClinVar (database versions not stated): ExAC 0.00001; gnomAD exomes 0.00001.
gnomAD v4.1: 13 of 1,612,892 alleles (0.00081%); highest among the groups gnomAD compares: Middle Eastern, 0.016%; no homozygotes.

Submission:

Labcorp Genetics (formerly Invitae), Labcorp
Classification: Uncertain significance for Neutropenia, severe congenital, 1, autosomal dominant; Cyclical neutropenia. Last evaluated: 2022-09-30. Review status: criteria provided, single submitter. Criteria: Invitae Variant Classification Sherloc (09022015). Collection method: clinical testing. Allele origin: germline.
Comment: This sequence change replaces arginine, which is basic and polar, with tryptophan, which is neutral and slightly polar, at codon 258 of the ELANE protein (p.Arg258Trp). In summary, the available evidence is currently insufficient to determine the role of this variant in disease. Therefore, it has been classified as a Variant of Uncertain Significance. Advanced modeling of protein sequence and biophysical properties (such as structural, functional, and spatial information, amino acid conservation, physicochemical variation, residue mobility, and thermodynamic stability) performed at Invitae indicates that this missense variant is not expected to disrupt ELANE protein function. ClinVar contains an entry for this variant (Variation ID: 1354571). This variant has not been reported in the literature in individuals affected with ELANE-related conditions. This variant is present in population databases (rs747957936, gnomAD 0.004%).